The following is an entry in ClinVar:

NM_153021.5(PLB1):c.667G>A (p.Val223Ile)

Gene: PLB1 (phospholipase B1; plus strand). Cytogenetic location: 2p23.2.
Variant type: single nucleotide variant.
Coding change: c.667G>A on transcript NM_153021.5 (MANE Select); coding-DNA position 667, G replaced by A.
Protein change: p.Val223Ile; replaces valine 223 with isoleucine.
Molecular consequence: missense variant.
Genome position (GRCh38, 1-based): chr2:28,539,147, G>A. VCF-style: chr2-28539147-G-A. GRCh37 (hg19) VCF-style: chr2-28762014-G-A.
Other names: c.700G>A, p.Val234Ile (NM_001170585.2); short protein forms V223I, V234I.
Identifiers: ClinVar variation 4851653 (VCV004851653.1).

ClinVar aggregate classification (germline): Uncertain significance (1 of 4 stars; one submission).

Submission:

Greenwood Genetic Center Diagnostic Laboratories, Greenwood Genetic Center
Classification: Uncertain significance. Last evaluated: 2025-02-04. Review status: criteria provided, single submitter. Criteria: ACMG Guidelines, 2015. Collection method: clinical testing. Allele origin: germline.
Comment: Gene of Uncertain Significance